The following continues an entry in ClinVar:

NM_001126108.2(SLC12A3):c.179C>T (p.Thr60Met)

Gene: SLC12A3. ClinVar aggregate classification (germline): Pathogenic. Pathogenic (14).

Submissions 12 to 16 of 16:

Illumina Laboratory Services, Illumina
Classification: Pathogenic for Familial hypokalemia-hypomagnesemia. Last evaluated: 2017-04-27. Review status: criteria provided, single submitter. Criteria: ICSL Variant Classification Criteria 09 May 2019. Collection method: clinical testing. Allele origin: germline.
Comment: The SLC12A3 c.179C>T (p.Thr60Met) missense variant is well described in the literature and noted to be one of the most common pathogenic variants associated with Gitelman syndrome in the Asian population (Shao et al. 2012). The p.Thr60Met variant is described in at least eight studies in which it is found in a total of 35 patients, including in ten individuals in a homozygous state, in 20 individuals in a compound heterozygous state, and in five in a heterozygous state (Maki et al. 2004; Shao et al. 2008; Qin et al. 2009; Miao et al. 2009; Jiang et al. 2014; Kim et al. 2016; Miao et al. 2016; Ma et al. 2016). The variant was detected in a heterozygous state in four out of 510 control individuals and is reported at a frequency of 0.00092 in the East Asian population of the Exome Aggregation Consortium. Functional studies in transgenic mice demonstrated that the p.Thr60Met variant resulted in reduced targeting to the apical membranes of distal convoluted tubule cells due to impaired phosphorylation of the Thr60 residue (Yang et al. 2013). Functional studies in Xenopus demonstrated that the variant showed the same pattern of complex glycosylation and similar cell surface expression as wild type but the intrinsic activity of the protein was abolished (Miao et al. 2009). Based on the collective evidence, the p.Thr60Met variant is classified as pathogenic for Gitelman syndrome. This variant was observed by ICSL as part of a predisposition screen in an ostensibly healthy population.

Athena Diagnostics
Classification: Pathogenic. Last evaluated: 2014-03-21. Review status: criteria provided, single submitter. Criteria: Athena Diagnostics Criteria. Collection method: clinical testing. Allele origin: germline.

Juno Genomics, Hangzhou Juno Genomics, Inc
Classification: Pathogenic for Familial hypokalemia-hypomagnesemia. Review status: criteria provided, single submitter. Criteria: ACMG Guidelines, 2015. Collection method: clinical testing. Allele origin: germline. Affected: yes.
Comment: Absent from controls (or at extremely low frequency if recessive) in Genome Aggregation Database, Exome Sequencing Project, 1000 Genomes Project, or Exome Aggregation Consortium.;Well-established in vitro or in vivo functional studies supportive of a damaging effect on the gene or gene product.;For recessive disorders, detected in trans with a pathogenic variant.;Patient's phenotype or family history is highly specific for a disease with a single genetic etiology.

Department of Pediatrics, Taizhou Central Hospital, Taizhou University Hospital
Classification: Pathogenic for Familial hypokalemia-hypomagnesemia. Last evaluated: 2024-02-01. Review status: no assertion criteria provided. Collection method: clinical testing. Allele origin: paternal. Affected: yes. Observed: 1 variant allele. Not counted in ClinVar's aggregate classification.

OMIM
Classification: Pathogenic for GITELMAN SYNDROME. Last evaluated: 2013-10-01. Review status: no assertion criteria provided. Collection method: literature only. Allele origin: germline. Not counted in ClinVar's aggregate classification.

Literature cited by the submitters: PubMed 35434103 (cited by Natera, Inc.); PubMed 34348722 (cited by Natera, Inc.); PubMed 19207868 (cited by 3 submitters); PubMed 19451210 (cited by 3 submitters); PubMed 24776766 (cited by Labcorp Genetics (formerly Invitae), Labcorp and Illumina Laboratory Services, Illumina); PubMed 27453715 (cited by Labcorp Genetics (formerly Invitae), Labcorp and Illumina Laboratory Services, Illumina); PubMed 23833262 (cited by 4 submitters); PubMed 30596175 (cited by 3billion); PubMed 15069170 (cited by 3 submitters); PubMed 22934535 (cited by Victorian Clinical Genetics Services, Murdoch Childrens Research Institute); PubMed 27454426 (cited by Illumina Laboratory Services, Illumina); PubMed 27173320 (cited by Illumina Laboratory Services, Illumina); PubMed 18287808 (cited by Illumina Laboratory Services, Illumina and Athena Diagnostics); PubMed 21051746 (cited by Athena Diagnostics); PubMed 22009145 (cited by Athena Diagnostics); PubMed 18580052 (cited by Athena Diagnostics); PubMed 18270262 (cited by Athena Diagnostics); PubMed 22627394 (cited by Athena Diagnostics).